The following is an entry in ClinVar:

ClinVar aggregate classification (germline): Likely pathogenic (1 of 4 stars; one submission).

Conditions:
Familial temporal lobe epilepsy 7. Identifiers: Orphanet 101046, MedGen C4225327, MONDO:0014639, OMIM 616436.
Norman-Roberts syndrome (LIS2). Also called: Lissencephaly 2 (Norman-Roberts type). Identifiers: Orphanet 89844, MedGen C0796089, MONDO:0009760, OMIM 257320.

Submission:

Labcorp Genetics (formerly Invitae), Labcorp
Classification: Likely pathogenic for Familial temporal lobe epilepsy 7; Norman-Roberts syndrome. Last evaluated: 2022-02-03. Review status: criteria provided, single submitter. Criteria: Invitae Variant Classification Sherloc (09022015). Collection method: clinical testing. Allele origin: germline.
Comment: In summary, the currently available evidence indicates that the variant is pathogenic, but additional data are needed to prove that conclusively. Therefore, this variant has been classified as Likely Pathogenic. Algorithms developed to predict the effect of sequence changes on RNA splicing suggest that this variant may disrupt the consensus splice site. This variant has not been reported in the literature in individuals affected with RELN-related conditions. This variant is not present in population databases (gnomAD no frequency). This sequence change affects a donor splice site in intron 45 of the RELN gene. It is expected to disrupt RNA splicing. Variants that disrupt the donor or acceptor splice site typically lead to a loss of protein function (PMID: 16199547), and loss-of-function variants in RELN are known to be pathogenic (PMID: 10973257, 26046367, 28454995).

Literature cited by the submitters: PubMed 16199547; PubMed 10973257; PubMed 26046367; PubMed 28454995.

NM_005045.4(RELN):c.7180+1G>T

Gene: RELN (reelin; minus strand). Cytogenetic location: 7q22.1.
Variant type: single nucleotide variant.
Coding change: c.7180+1G>T on transcript NM_005045.4 (MANE Select); the canonical splice donor site of the intron after coding-DNA position 7180, G replaced by T.
Molecular consequence: splice donor variant.
Genome position (GRCh38, 1-based): chr7:103,539,077, C>A on the plus strand (G>T on the coding strand, the complement: RELN is on the minus strand). VCF-style: chr7-103539077-C-A. GRCh37 (hg19) VCF-style: chr7-103179524-C-A.
Other names: c.7180+1G>T (NM_173054.3).
Identifiers: ClinVar variation 1474142 (VCV001474142.8), dbSNP rs2117126444, ClinGen allele CA368768968.